The following is an entry in ClinVar:

NM_014249.4(NR2E3):c.791G>A (p.Gly264Glu)

Gene: NR2E3 (nuclear receptor subfamily 2 group E member 3; plus strand). Cytogenetic location: 15q23.
Variant type: single nucleotide variant.
Coding change: c.791G>A on transcript NM_014249.4 (MANE Select); coding-DNA position 791, G replaced by A.
Protein change: p.Gly264Glu; replaces glycine 264 with glutamic acid.
Molecular consequence: missense variant.
Genome position (GRCh38, 1-based): chr15:71,813,432, G>A. VCF-style: chr15-71813432-G-A. GRCh37 (hg19) VCF-style: chr15-72105772-G-A.
Other names: c.791G>A, p.Gly264Glu (NM_016346.4); c.791G>A (NM_014249.2); short protein forms G264E.
Identifiers: ClinVar variation 969921 (VCV000969921.11), dbSNP rs201106600, ClinGen allele CA7640403.

ClinVar aggregate classification (germline): Uncertain significance. Review status: criteria provided, multiple submitters, no conflicts (2 of 4 stars). 6 submissions from 6 submitters: Uncertain significance (5). 1 of the submissions does not count toward it. Last evaluated 2026-03-09.

Conditions:
Enhanced S-cone syndrome (ESCS). Identifiers: Orphanet 53540, MedGen C1849394, MONDO:0100288, MONDO:0009989.
NR2E3-related disorder. Also called: NR2E3-related disorders; NR2E3-related condition. Identifiers: MedGen CN239387.
Inborn genetic diseases. Identifiers: MedGen C0950123, MeSH D030342.
Retinitis pigmentosa 37 (RP37). Identifiers: Orphanet 791, MedGen C1970163, MONDO:0012625, OMIM 611131.

Allele frequency attached by ClinVar (database versions not stated): gnomAD 0.00004; gnomAD exomes 0.00005 and 0.00009; TOPMed 0.00005; ExAC 0.00009; ESP Exome Variant Server 0.00033.
gnomAD v4.1: 141 of 1,610,578 alleles (0.0088%); highest among the groups gnomAD compares: Non-Finnish European, 0.011%; no homozygotes.

Submissions (6):

PreventionGenetics, part of Exact Sciences
Classification: Uncertain significance for NR2E3-related condition. Last evaluated: 2026-03-09. Review status: criteria provided, single submitter. Criteria: ACMG Guidelines, 2015. Collection method: clinical testing. Allele origin: germline.
Comment: The NR2E3 c.791G>A variant is predicted to result in the amino acid substitution p.Gly264Glu. To our knowledge, this variant has not been reported in the literature. This variant is reported in 0.014% of alleles in individuals of African descent in gnomAD. At this time, the clinical significance of this variant is uncertain due to the absence of conclusive functional and genetic evidence.

Labcorp Genetics (formerly Invitae), Labcorp
Classification: Uncertain significance. Last evaluated: 2025-04-07. Review status: criteria provided, single submitter. Criteria: Invitae Variant Classification Sherloc (09022015). Collection method: clinical testing. Allele origin: germline.
Comment: This sequence change replaces glycine with glutamic acid at codon 264 of the NR2E3 protein (p.Gly264Glu). The glycine residue is moderately conserved and there is a moderate physicochemical difference between glycine and glutamic acid. This variant is present in population databases (rs201106600, gnomAD 0.01%). This variant has not been reported in the literature in individuals affected with NR2E3-related conditions. ClinVar contains an entry for this variant (Variation ID: 969921). Invitae Evidence Modeling of protein sequence and biophysical properties (such as structural, functional, and spatial information, amino acid conservation, physicochemical variation, residue mobility, and thermodynamic stability) indicates that this missense variant is not expected to disrupt NR2E3 protein function with a negative predictive value of 80%. In summary, the available evidence is currently insufficient to determine the role of this variant in disease. Therefore, it has been classified as a Variant of Uncertain Significance.

Blueprint Genetics
Classification: Uncertain significance. Last evaluated: 2024-02-01. Review status: criteria provided, single submitter. Criteria: ACMG Guidelines, 2015. Collection method: clinical testing. Allele origin: germline.

Ambry Genetics
Classification: Uncertain significance for Inborn genetic diseases. Last evaluated: 2023-04-17. Review status: criteria provided, single submitter. Criteria: Ambry Variant Classification Scheme 2023. Collection method: clinical testing. Allele origin: germline.

Department of Pathology and Laboratory Medicine, Sinai Health System
Classification: Uncertain significance for ENHANCED S-CONE SYNDROME 1; Retinitis pigmentosa 37. Last evaluated: 2022-06-02. Review status: criteria provided, single submitter. Criteria: ACMG Guidelines, 2015. Collection method: research. Allele origin: germline.

Natera, Inc.
Classification: Uncertain significance for Enhanced S cone syndrome. Last evaluated: 2020-05-05. Review status: no assertion criteria provided. Collection method: clinical testing. Allele origin: germline. Not counted in ClinVar's aggregate classification.